The following is an entry in ClinVar:

NM_001330260.2(SCN8A):c.4629A>G (p.Thr1543=)

Gene: SCN8A (sodium voltage-gated channel alpha subunit 8; plus strand). Cytogenetic location: 12q13.13.
Variant type: single nucleotide variant.
Coding change: c.4629A>G on transcript NM_001330260.2 (MANE Select); coding-DNA position 4629, A replaced by G.
Protein change: p.Thr1543=; no amino-acid change (threonine 1543 retained).
Molecular consequence: synonymous variant.
Genome position (GRCh38, 1-based): chr12:51,794,475, A>G. VCF-style: chr12-51794475-A-G. GRCh37 (hg19) VCF-style: chr12-52188259-A-G.
Other names: c.4506A>G, p.Thr1502= (NM_001177984.3, NM_001369788.1); c.4629A>G, p.Thr1543= (NM_014191.4).
Identifiers: ClinVar variation 2643003 (VCV002643003.24), dbSNP rs2540315589, ClinGen allele CA480061712.
Genomic context (GRCh38, chr12:51,794,475, plus strand): 5'-CTTTGACATTGTTATCATGATGCTCATCTGCCTTAACATGGTGACAATGATGGTGGAGAC[A>G]GACACTCAAAGCAAGCAGATGGAGAACATCCTCTACTGGATTAACCTGGTGTTTGTTATC-3'
Protein context (NP_001317189.1, residues 1533-1553): CLNMVTMMVE[Thr1543=]DTQSKQMENI

ClinVar aggregate classification (germline): Likely benign (1 of 4 stars; one submission).

Allele frequency attached by ClinVar (database versions not stated): gnomAD exomes below 0.00001.
gnomAD v4.1: 2 of 1,614,030 alleles (0.00012%); highest among the groups gnomAD compares: Non-Finnish European, 0.00017%; no homozygotes.

Submission:

CeGaT Center for Human Genetics Tuebingen
Classification: Likely benign. Last evaluated: 2022-11-01. Review status: criteria provided, single submitter. Criteria: CeGaT Center For Human Genetics Tuebingen Variant Classification Criteria Version 2. Collection method: clinical testing. Allele origin: germline. Affected: yes. Observed: 1 variant allele.
Comment: SCN8A: PM2:Supporting, BP4, BP7